The following is an entry in ClinVar:

NM_172107.4(KCNQ2):c.308T>A (p.Val103Asp)

Gene: KCNQ2 (potassium voltage-gated channel subfamily Q member 2; minus strand). Cytogenetic location: 20q13.33.
Variant type: single nucleotide variant.
Coding change: c.308T>A on transcript NM_172107.4 (MANE Select); coding-DNA position 308, T replaced by A.
Protein change: p.Val103Asp; replaces valine 103 with aspartic acid.
Molecular consequence: missense variant.
Genome position (GRCh38, 1-based): chr20:63,446,826, A>T on the plus strand (T>A on the coding strand, the complement: KCNQ2 is on the minus strand). VCF-style: chr20-63446826-A-T. GRCh37 (hg19) VCF-style: chr20-62078179-A-T.
Other names: c.308T>A, p.Val103Asp (NM_001382235.1, NM_004518.6, NM_172106.3 and 2 more transcripts); short protein forms V103D.
Identifiers: ClinVar variation 1426976 (VCV001426976.7), dbSNP rs2145789820, ClinGen allele CA409656556.

ClinVar aggregate classification (germline): Pathogenic (1 of 4 stars; one submission).

Conditions:
Early-infantile DEE. Also called: Ohtahara syndrome; Early infantile epileptic encephalopathy with suppression bursts; Early infantile epileptic encephalopathy. Identifiers: Orphanet 1934, MedGen C0393706, MONDO:0800491.

Submission:

Labcorp Genetics (formerly Invitae), Labcorp
Classification: Pathogenic for Early-infantile DEE. Last evaluated: 2023-07-23. Review status: criteria provided, single submitter. Criteria: Invitae Variant Classification Sherloc (09022015). Collection method: clinical testing. Allele origin: germline.
Comment: This sequence change replaces valine, which is neutral and non-polar, with aspartic acid, which is acidic and polar, at codon 103 of the KCNQ2 protein (p.Val103Asp). This variant is not present in population databases (gnomAD no frequency). This missense change has been observed in individual(s) with clinical features of KCNQ2-related conditions (Invitae). In at least one individual the variant was observed to be de novo. ClinVar contains an entry for this variant (Variation ID: 1426976). Advanced modeling of protein sequence and biophysical properties (such as structural, functional, and spatial information, amino acid conservation, physicochemical variation, residue mobility, and thermodynamic stability) performed at Invitae indicates that this missense variant is expected to disrupt KCNQ2 protein function. For these reasons, this variant has been classified as Pathogenic.